The following is an entry in ClinVar:

NM_003742.4(ABCB11):c.2494C>G (p.Arg832Gly)

Gene: ABCB11 (ATP binding cassette subfamily B member 11; minus strand). Cytogenetic location: 2q31.1.
Variant type: single nucleotide variant.
Coding change: c.2494C>G on transcript NM_003742.4 (MANE Select); coding-DNA position 2494, C replaced by G.
Protein change: p.Arg832Gly; replaces arginine 832 with glycine.
Molecular consequence: missense variant.
Genome position (GRCh38, 1-based): chr2:168,944,721, G>C on the plus strand (C>G on the coding strand, the complement: ABCB11 is on the minus strand). VCF-style: chr2-168944721-G-C. GRCh37 (hg19) VCF-style: chr2-169801231-G-C.
Other names: short protein forms R832G.
Identifiers: ClinVar variation 4846162 (VCV004846162.1).

ClinVar aggregate classification (germline): Uncertain significance (1 of 4 stars; one submission).

Conditions:
Familial intrahepatic cholestasis. Identifiers: Orphanet 284385, MedGen CN296401, MONDO:0017290.

Submission:

Genomenon, Inc
Classification: Uncertain significance for Familial intrahepatic cholestasis. Last evaluated: 2026-04-14. Review status: criteria provided, single submitter. Criteria: Genomenon Sequence Variant Interpretation Standards - Updated. Collection method: curation. Allele origin: germline. Affected: yes.
Comment: ABCB11 p.Arg832Gly (c.2494C>G) is a missense variant that changes the amino acid at residue 832 from Arginine to Glycine. This variant has been observed in at least one proband with an ABCB11-related disorder (PMID:31630127). The presence of pathogenic or likely pathogenic missense variant(s) at the same amino acid position indicates that this residue is likely important for protein function. It is absent or not present at a significant frequency in gnomAD. In silico models predict that this variant is possibly or probably damaging. In conclusion, we classify ABCB11 p.Arg832Gly (c.2494C>G) as a variant of uncertain significance.

Literature cited by the submitters: PubMed 31630127.